The following is an entry in ClinVar:

NM_024685.4(BBS10):c.1811G>C (p.Gly604Ala)

Gene: BBS10 (Bardet-Biedl syndrome 10; minus strand). Cytogenetic location: 12q21.2.
Variant type: single nucleotide variant.
Coding change: c.1811G>C on transcript NM_024685.4 (MANE Select); coding-DNA position 1811, G replaced by C.
Protein change: p.Gly604Ala; replaces glycine 604 with alanine.
Molecular consequence: missense variant.
Genome position (GRCh38, 1-based): chr12:76,346,174, C>G on the plus strand (G>C on the coding strand, the complement: BBS10 is on the minus strand). VCF-style: chr12-76346174-C-G. GRCh37 (hg19) VCF-style: chr12-76739954-C-G.
Other names: short protein forms G604A.
Identifiers: ClinVar variation 1024157 (VCV001024157.8), dbSNP rs1951755940, ClinGen allele CA385809844.
Genomic context (GRCh38, chr12:76,346,174, plus strand): 5'-GATTGATGGCATTTTTTGGCATAATTGAGAAGATAGTAATGTAACAAGATCTCAAAATTA[C>G]CACCTACTGGCAAAACACAACCAGCTGGCATAGATGAGGAAAGGTAACTCTGGGAAGTAC-3'
Protein context (NP_078961.3, residues 594-614): MPAGCVLPVG[Gly604Ala]NFEILLHYYL

ClinVar aggregate classification (germline): Uncertain significance (1 of 4 stars; one submission).

Conditions:
Bardet-Biedl syndrome (BBS). Identifiers: Orphanet 110, MedGen C0752166, MONDO:0015229.

Submission:

Labcorp Genetics (formerly Invitae), Labcorp
Classification: Uncertain significance for Bardet-Biedl syndrome. Last evaluated: 2024-12-09. Review status: criteria provided, single submitter. Criteria: Invitae Variant Classification Sherloc (09022015). Collection method: clinical testing. Allele origin: germline.
Comment: This sequence change replaces glycine, which is neutral and non-polar, with alanine, which is neutral and non-polar, at codon 604 of the BBS10 protein (p.Gly604Ala). This variant is not present in population databases (gnomAD no frequency). This variant has not been reported in the literature in individuals affected with BBS10-related conditions. ClinVar contains an entry for this variant (Variation ID: 1024157). Invitae Evidence Modeling of protein sequence and biophysical properties (such as structural, functional, and spatial information, amino acid conservation, physicochemical variation, residue mobility, and thermodynamic stability) indicates that this missense variant is expected to disrupt BBS10 protein function with a positive predictive value of 80%. In summary, the available evidence is currently insufficient to determine the role of this variant in disease. Therefore, it has been classified as a Variant of Uncertain Significance.